The following is an entry in ClinVar:

ClinVar aggregate classification (germline): Uncertain significance (1 of 4 stars; one submission).

Submission:

Labcorp Genetics (formerly Invitae), Labcorp
Classification: Uncertain significance. Last evaluated: 2025-07-31. Review status: criteria provided, single submitter. Criteria: Invitae Variant Classification Sherloc (09022015). Collection method: clinical testing. Allele origin: germline.
Comment: This sequence change replaces arginine, which is basic and polar, with tryptophan, which is neutral and slightly polar, at codon 633 of the TAOK2 protein (p.Arg633Trp). The frequency data for this variant in the population databases is considered unreliable, as metrics indicate poor data quality at this position in the gnomAD database. This variant has not been reported in the literature in individuals affected with TAOK2-related conditions. ClinVar contains an entry for this variant (Variation ID: 3617551). An algorithm developed to predict the effect of missense changes on protein structure and function (PolyPhen-2) suggests that this variant is likely to be disruptive. In summary, the available evidence is currently insufficient to determine the role of this variant in disease. Therefore, it has been classified as a Variant of Uncertain Significance.

NM_016151.4(TAOK2):c.1897C>T (p.Arg633Trp)

Gene: TAOK2 (TAO kinase 2; plus strand). Cytogenetic location: 16p11.2.
Variant type: single nucleotide variant.
Coding change: c.1897C>T on transcript NM_016151.4 (MANE Select); coding-DNA position 1897, C replaced by T.
Protein change: p.Arg633Trp; replaces arginine 633 with tryptophan.
Molecular consequence: missense variant.
Genome position (GRCh38, 1-based): chr16:29,985,766, C>T. VCF-style: chr16-29985766-C-T. GRCh37 (hg19) VCF-style: chr16-29997087-C-T.
Other names: c.1897C>T, p.Arg633Trp (NM_001252043.2, NM_004783.4); short protein forms R633W.
Identifiers: ClinVar variation 3617551 (VCV003617551.2).